The following is an entry in ClinVar:

NM_001122659.3(EDNRB):c.13C>A (p.Pro5Thr)

Gene: EDNRB (endothelin receptor type B; minus strand). Cytogenetic location: 13q22.3.
Variant type: single nucleotide variant.
Coding change: c.13C>A on transcript NM_001122659.3 (MANE Select); coding-DNA position 13, C replaced by A.
Protein change: p.Pro5Thr; replaces proline 5 with threonine.
Molecular consequence: missense variant.
Genome position (GRCh38, 1-based): chr13:77,918,561, G>T on the plus strand (C>A on the coding strand, the complement: EDNRB is on the minus strand). VCF-style: chr13-77918561-G-T. GRCh37 (hg19) VCF-style: chr13-78492696-G-T.
Other names: c.13C>A (NM_000115.3, NM_000115.4); c.13C>A, p.Pro5Thr (NM_000115.5, NM_003991.4); c.283C>A, p.Pro95Thr (NM_001201397.2); short protein forms P5T, P95T.
Identifiers: ClinVar variation 2181529 (VCV002181529.6), dbSNP rs12720160, ClinGen allele CA7012412.

ClinVar aggregate classification (germline): Uncertain significance. Review status: criteria provided, multiple submitters, no conflicts (2 of 4 stars). 3 submissions from 3 submitters: Uncertain significance (3). Last evaluated 2025-02-06.

Conditions:
EDNRB-related disorder. Also called: EDNRB-related disorders; EDNRB-related condition.

Allele frequency attached by ClinVar (database versions not stated): gnomAD exomes 0.00002; ExAC 0.00005; TOPMed 0.00020; gnomAD 0.00022; ESP Exome Variant Server 0.00023; 1000 Genomes Project 0.00040; 1000 Genomes Project 30x 0.00047.
gnomAD v4.1: 56 of 1,598,588 alleles (0.0035%); highest among the groups gnomAD compares: African/African-American, 0.066%; no homozygotes.

Submissions (3):

PreventionGenetics, part of Exact Sciences
Classification: Uncertain significance for EDNRB-related condition. Last evaluated: 2025-02-06. Review status: criteria provided, single submitter. Criteria: ACMG Guidelines, 2015. Collection method: clinical testing. Allele origin: germline.
Comment: The EDNRB c.13C>A variant is predicted to result in the amino acid substitution p.Pro5Thr. To our knowledge, this variant has not been reported in the literature. This variant is reported in 0.078% of alleles in individuals of African descent in gnomAD. Although we suspect that this variant may be benign, at this time, the clinical significance of this variant is uncertain due to the absence of conclusive functional and genetic evidence.

GeneDx
Classification: Uncertain significance. Last evaluated: 2024-04-12. Review status: criteria provided, single submitter. Criteria: GeneDx Variant Classification Process June 2021. Collection method: clinical testing. Allele origin: germline. Affected: yes.
Comment: In silico analysis indicates that this missense variant does not alter protein structure/function; Has not been previously published as pathogenic or benign to our knowledge

Labcorp Genetics (formerly Invitae), Labcorp
Classification: Uncertain significance. Last evaluated: 2023-03-20. Review status: criteria provided, single submitter. Criteria: Invitae Variant Classification Sherloc (09022015). Collection method: clinical testing. Allele origin: germline.
Comment: This variant has not been reported in the literature in individuals affected with EDNRB-related conditions. This variant is present in population databases (rs12720160, gnomAD 0.08%). This sequence change replaces proline, which is neutral and non-polar, with threonine, which is neutral and polar, at codon 5 of the EDNRB protein (p.Pro5Thr). ClinVar contains an entry for this variant (Variation ID: 2181529). In summary, the available evidence is currently insufficient to determine the role of this variant in disease. Therefore, it has been classified as a Variant of Uncertain Significance. Algorithms developed to predict the effect of missense changes on protein structure and function output the following: SIFT: "Not Available"; PolyPhen-2: "Benign"; Align-GVGD: "Not Available". The threonine amino acid residue is found in multiple mammalian species, which suggests that this missense change does not adversely affect protein function.